The following is an entry in ClinVar:

NM_020699.4(GATAD2B):c.727C>T (p.Gln243Ter)

Gene: GATAD2B (GATA zinc finger domain containing 2B; minus strand). Cytogenetic location: 1q21.3.
Variant type: single nucleotide variant.
Coding change: c.727C>T on transcript NM_020699.4 (MANE Select); coding-DNA position 727, C replaced by T.
Protein change: p.Gln243Ter; replaces glutamine 243 with a stop codon.
Molecular consequence: nonsense.
Genome position (GRCh38, 1-based): chr1:153,818,042, G>A on the plus strand (C>T on the coding strand, the complement: GATAD2B is on the minus strand). VCF-style: chr1-153818042-G-A. GRCh37 (hg19) VCF-style: chr1-153790518-G-A.
Other names: short protein forms Q243*.
Identifiers: ClinVar variation 3280870 (VCV003280870.1).

ClinVar aggregate classification (germline): Pathogenic (1 of 4 stars; one submission).

Conditions:
Inborn genetic diseases. Identifiers: MedGen C0950123, MeSH D030342.

Submission:

Ambry Genetics
Classification: Pathogenic for Inborn genetic diseases. Last evaluated: 2024-03-20. Review status: criteria provided, single submitter. Criteria: Ambry Variant Classification Scheme 2023. Collection method: clinical testing. Allele origin: germline.
Comment: The c.727C>T (p.Q243*) alteration, located in exon 5 (coding exon 4) of the GATAD2B gene, consists of a C to T substitution at nucleotide position 727. This changes the amino acid from a glutamine (Q) to a stop codon at amino acid position 243. This alteration is expected to result in loss of function by premature protein truncation or nonsense-mediated mRNA decay. This variant was not reported in population-based cohorts in the Genome Aggregation Database (gnomAD). Based on the available evidence, this alteration is classified as pathogenic.